The following is an entry in ClinVar:

NM_001143809.2(BDNF):c.-1C>G

Gene: BDNF (brain derived neurotrophic factor; minus strand). Cytogenetic location: 11p14.1.
Variant type: single nucleotide variant.
Coding change: c.-1C>G on transcript NM_001143809.2; 1 bases upstream of the start codon, C replaced by G.
Molecular consequence: 5 prime UTR variant. On other transcripts: intron variant (6).
Genome position (GRCh38, 1-based): chr11:27,701,037, G>C on the plus strand (C>G on the coding strand, the complement: BDNF is on the minus strand). VCF-style: chr11-27701037-G-C. GRCh37 (hg19) VCF-style: chr11-27722584-G-C.
Other names: c.-78C>G (NM_001143808.2); c.-125C>G (NM_001143810.2); c.-488C>G (NM_001143811.2); c.3+20375C>G (NM_170731.5); c.-22+19607C>G (NM_001143805.1); c.-22+19392C>G (NM_001143806.1); c.-22+19309C>G (NM_170732.4); c.-22+18474C>G (NM_001143807.2); and 1 more.
Identifiers: ClinVar variation 4997437 (VCV004997437.1).

ClinVar aggregate classification (germline): Likely benign (1 of 4 stars; one submission).

Conditions:
BDNF-related disorder. Also called: BDNF-related condition.

Submission:

PreventionGenetics, part of Exact Sciences
Classification: Likely benign for BDNF-related condition. Last evaluated: 2025-04-10. Review status: criteria provided, single submitter. Criteria: ACMG Guidelines, 2015. Collection method: clinical testing. Allele origin: germline.
Comment: This variant is classified as likely benign based on ACMG/AMP sequence variant interpretation guidelines (Richards et al. 2015 PMID: 25741868, with internal and published modifications).